The following is an entry in ClinVar:

ClinVar aggregate classification (germline): Uncertain significance (1 of 4 stars; one submission).

Allele frequency attached by ClinVar (database versions not stated): ExAC 0.00001; gnomAD exomes 0.00001.
gnomAD v4.1: 9 of 1,294,298 alleles (0.0007%); highest among the groups gnomAD compares: South Asian, 0.0072%; no homozygotes.

Submission:

Labcorp Genetics (formerly Invitae), Labcorp
Classification: Uncertain significance. Last evaluated: 2025-01-06. Review status: criteria provided, single submitter. Criteria: Invitae Variant Classification Sherloc (09022015). Collection method: clinical testing. Allele origin: germline.
Comment: This sequence change falls in intron 21 of the PHIP gene. It does not directly change the encoded amino acid sequence of the PHIP protein. This variant is present in population databases (rs775727691, gnomAD 0.01%). This variant has not been reported in the literature in individuals affected with PHIP-related conditions. ClinVar contains an entry for this variant (Variation ID: 2876339). Algorithms developed to predict the effect of sequence changes on RNA splicing suggest that this variant may disrupt the consensus splice site. In summary, the available evidence is currently insufficient to determine the role of this variant in disease. Therefore, it has been classified as a Variant of Uncertain Significance.

NM_017934.7(PHIP):c.2461-17T>C

Gene: PHIP (PHIP subunit of CUL4-Ring ligase complex; minus strand). Cytogenetic location: 6q14.1.
Variant type: single nucleotide variant.
Coding change: c.2461-17T>C on transcript NM_017934.7 (MANE Select); 17 bases into the intron before coding-DNA position 2461, T replaced by C.
Molecular consequence: intron variant.
Genome position (GRCh38, 1-based): chr6:78,985,445, A>G on the plus strand (T>C on the coding strand, the complement: PHIP is on the minus strand). VCF-style: chr6-78985445-A-G. GRCh37 (hg19) VCF-style: chr6-79695162-A-G.
Identifiers: ClinVar variation 2876339 (VCV002876339.3), dbSNP rs775727691, ClinGen allele CA3899940.